The following is an entry in ClinVar:

NM_004990.4(MARS1):c.1874G>T (p.Arg625Leu)

Gene: MARS1 (methionyl-tRNA synthetase 1; plus strand). Cytogenetic location: 12q13.3.
Variant type: single nucleotide variant.
Coding change: c.1874G>T on transcript NM_004990.4 (MANE Select); coding-DNA position 1874, G replaced by T.
Protein change: p.Arg625Leu; replaces arginine 625 with leucine.
Molecular consequence: missense variant.
Genome position (GRCh38, 1-based): chr12:57,512,871, G>T. VCF-style: chr12-57512871-G-T. GRCh37 (hg19) VCF-style: chr12-57906654-G-T.
Other names: short protein forms R625L.
Identifiers: ClinVar variation 1799829 (VCV001799829.7), dbSNP rs759133961, ClinGen allele CA237770561.

ClinVar aggregate classification (germline): Uncertain significance. Review status: criteria provided, multiple submitters, no conflicts (2 of 4 stars). 2 submissions from 2 submitters: Uncertain significance (2). Last evaluated 2025-04-18.

Conditions:
Severe early-onset pulmonary alveolar proteinosis due to MARS deficiency. Also called: PULMONARY ALVEOLAR PROTEINOSIS, REUNION ISLAND; Interstitial lung and liver disease. Identifiers: Orphanet 440427, MedGen C4225400, MONDO:0014206, OMIM 615486.
Charcot-Marie-Tooth disease axonal type 2U. Also called: CHARCOT-MARIE-TOOTH NEUROPATHY, TYPE 2U; CHARCOT-MARIE-TOOTH DISEASE, AXONAL, AUTOSOMAL DOMINANT, TYPE 2U. Identifiers: Orphanet 397735, MedGen C4084821, MONDO:0014566, OMIM 616280.

Allele frequency attached by ClinVar (database versions not stated): TOPMed below 0.00001.
gnomAD v4.1: 8 of 1,614,208 alleles (0.0005%); highest among the groups gnomAD compares: Non-Finnish European, 0.00068%; no homozygotes.

Submissions (2):

Ambry Genetics
Classification: Uncertain significance. Last evaluated: 2025-04-18. Review status: criteria provided, single submitter. Criteria: Ambry Variant Classification Scheme 2023. Collection method: clinical testing. Allele origin: germline.

Labcorp Genetics (formerly Invitae), Labcorp
Classification: Uncertain significance for Charcot-Marie-Tooth disease axonal type 2U; Severe early-onset pulmonary alveolar proteinosis due to MARS deficiency. Last evaluated: 2024-08-28. Review status: criteria provided, single submitter. Criteria: Invitae Variant Classification Sherloc (09022015). Collection method: clinical testing. Allele origin: germline.
Comment: This sequence change replaces arginine, which is basic and polar, with leucine, which is neutral and non-polar, at codon 625 of the MARS protein (p.Arg625Leu). This variant is present in population databases (no rsID available, gnomAD 0.0009%). This variant has not been reported in the literature in individuals affected with MARS-related conditions. ClinVar contains an entry for this variant (Variation ID: 1799829). An algorithm developed to predict the effect of missense changes on protein structure and function (PolyPhen-2) suggests that this variant is likely to be disruptive. In summary, the available evidence is currently insufficient to determine the role of this variant in disease. Therefore, it has been classified as a Variant of Uncertain Significance.